The following is an entry in ClinVar:

NM_000163.5(GHR):c.536G>A (p.Arg179His)

Gene: GHR (growth hormone receptor; plus strand). Cytogenetic location: 5p12.
Variant type: single nucleotide variant.
Coding change: c.536G>A on transcript NM_000163.5 (MANE Select); coding-DNA position 536, G replaced by A.
Protein change: p.Arg179His; replaces arginine 179 with histidine.
Molecular consequence: missense variant.
Genome position (GRCh38, 1-based): chr5:42,699,920, G>A. VCF-style: chr5-42699920-G-A. GRCh37 (hg19) VCF-style: chr5-42700022-G-A.
Other names: c.557G>A, p.Arg186His (NM_001242399.2); c.536G>A, p.Arg179His (NM_001242400.2, NM_001242401.4, NM_001242402.2 and 5 more transcripts); c.470G>A, p.Arg157His (NM_001242460.2); short protein forms R157H, R179H, R186H.
Identifiers: ClinVar variation 1209244 (VCV001209244.13), dbSNP rs6181, ClinGen allele CA3254426.

ClinVar aggregate classification (germline): Conflicting classifications of pathogenicity. Review status: criteria provided, conflicting classifications (1 of 4 stars). 4 submissions from 4 submitters: Uncertain significance (2); Likely benign (2). Last evaluated 2026-01-12.

Allele frequency attached by ClinVar (database versions not stated): gnomAD exomes 0.00024; ExAC 0.00030; 1000 Genomes Project 30x 0.00031; 1000 Genomes Project 0.00040; gnomAD 0.00096 and 0.00100; ESP Exome Variant Server 0.00115; TOPMed 0.00116.
gnomAD v4.1: 378 of 1,595,846 alleles (0.024%); highest among the groups gnomAD compares: African/African-American, 0.36%; no homozygotes.

Submissions (4):

Labcorp Genetics (formerly Invitae), Labcorp
Classification: Likely benign. Last evaluated: 2026-01-12. Review status: criteria provided, single submitter. Criteria: Invitae Variant Classification Sherloc (09022015). Collection method: clinical testing. Allele origin: germline.

Women's Health and Genetics/Laboratory Corporation of America, LabCorp
Classification: Likely benign. Last evaluated: 2025-02-25. Review status: criteria provided, single submitter. Criteria: LabCorp Variant Classification Summary - May 2015. Collection method: clinical testing. Allele origin: germline.
Comment: Variant summary: GHR c.536G>A (p.Arg179His) results in a non-conservative amino acid change in the encoded protein sequence. Three of five in-silico tools predict a damaging effect of the variant on protein function. The variant allele was found at a frequency of 0.00016 in 1443552 control chromosomes, predominantly at a frequency of 0.0039 within the African or African-American subpopulation in the gnomAD v4 database. The observed variant frequency within African or African-American control individuals in the gnomAD v4 database is higher than the estimated maximal expected allele frequency for a pathogenic variant in GHR causing Growth Hormone Insensitivity phenotype (0.0035). To our knowledge, no experimental evidence demonstrating this variant's impact on protein function has been reported. ClinVar contains an entry for this variant (Variation ID: 1209244). Based on the evidence outlined above, the variant was classified as likely benign.

Blueprint Genetics
Classification: Uncertain significance. Last evaluated: 2023-07-18. Review status: criteria provided, single submitter. Criteria: ACMG Guidelines, 2015. Collection method: clinical testing. Allele origin: germline.

GeneDx
Classification: Uncertain significance. Last evaluated: 2019-08-27. Review status: criteria provided, single submitter. Criteria: GeneDx Variant Classification Process June 2021. Collection method: clinical testing. Allele origin: germline. Affected: yes.
Comment: Reported in published literature as a variant found in general population databases (Filopanti et al., 2012; Rotwein et al., 2017); In silico analysis, which includes protein predictors and evolutionary conservation, supports that this variant does not alter protein structure/function; This variant is associated with the following publications: (PMID: 28498917, 22162472)